The following is an entry in ClinVar:

ClinVar aggregate classification (germline): Uncertain significance (1 of 4 stars; one submission).

Conditions:
Charcot-Marie-Tooth disease type 4. Also called: Charcot-Marie-Tooth, Type 4; Charcot-Marie-Tooth disease, type IV. Identifiers: Orphanet 64749, MedGen C4082197, MONDO:0018995.

Allele frequency attached by ClinVar (database versions not stated): gnomAD 0.00001; ExAC 0.00003; gnomAD exomes 0.00003 and 0.00006; TOPMed 0.00003.
gnomAD v4.1: 18 of 1,611,802 alleles (0.0011%); highest among the groups gnomAD compares: Admixed American, 0.03%; no homozygotes.

Submission:

Labcorp Genetics (formerly Invitae), Labcorp
Classification: Uncertain significance for Charcot-Marie-Tooth disease type 4. Last evaluated: 2022-03-23. Review status: criteria provided, single submitter. Criteria: Invitae Variant Classification Sherloc (09022015). Collection method: clinical testing. Allele origin: germline.
Comment: This sequence change falls in intron 9 of the FIG4 gene. It does not directly change the encoded amino acid sequence of the FIG4 protein. It affects a nucleotide within the consensus splice site. This variant is present in population databases (rs760007124, gnomAD 0.04%). This variant has not been reported in the literature in individuals affected with FIG4-related conditions. ClinVar contains an entry for this variant (Variation ID: 1001613). Variants that disrupt the consensus splice site are a relatively common cause of aberrant splicing (PMID: 17576681, 9536098). Algorithms developed to predict the effect of sequence changes on RNA splicing suggest that this variant may create or strengthen a splice site. In summary, the available evidence is currently insufficient to determine the role of this variant in disease. Therefore, it has been classified as a Variant of Uncertain Significance.

Literature cited by the submitters: PubMed 17576681; PubMed 9536098.

NM_014845.6(FIG4):c.1039+3G>A

Gene: FIG4 (FIG4 phosphoinositide 5-phosphatase; plus strand). Cytogenetic location: 6q21.
Variant type: single nucleotide variant.
Coding change: c.1039+3G>A on transcript NM_014845.6 (MANE Select); 3 bases into the intron after coding-DNA position 1039, G replaced by A.
Molecular consequence: intron variant.
Genome position (GRCh38, 1-based): chr6:109,743,275, G>A. VCF-style: chr6-109743275-G-A. GRCh37 (hg19) VCF-style: chr6-110064478-G-A.
Identifiers: ClinVar variation 1001613 (VCV001001613.4), dbSNP rs760007124, ClinGen allele CA3955958.
Genomic context (GRCh38, chr6:109,743,275, plus strand): 5'-GTGCCCTTATACTGGTCTCAGGACATTTCAACTATGATGCCTAAACCACCTATTACATGT[G>A]TGTGGAGCCATGTTTTTAATAATAACTCCTGTCCTCACATTTAGAGATAATGAACTGTTG-3'